The following is an entry in ClinVar:

ClinVar aggregate classification (germline): Uncertain significance (1 of 4 stars; one submission).

Submission:

Women's Health and Genetics/Laboratory Corporation of America, LabCorp
Classification: Uncertain significance. Last evaluated: 2025-07-22. Review status: criteria provided, single submitter. Criteria: LabCorp Variant Classification Summary - May 2015. Collection method: clinical testing. Allele origin: germline.
Comment: Variant summary: PKD1 c.10952G>C (p.Gly3651Ala) results in a non-conservative amino acid change in the encoded protein sequence. Algorithms developed to predict the effect of missense changes on protein structure and function are either unavailable or do not agree on the potential impact of this missense change. The frequency data for this variant in gnomAD is considered unreliable, as metrics indicate poor data quality at this position. To our knowledge, no occurrence of c.10952G>C in individuals affected with PKD1-Biallelic Autosomal Recessive Polycystic Kidney Disease and no experimental evidence demonstrating its impact on protein function have been reported. No submitters have cited clinical-significance assessments for this variant to ClinVar. Based on the evidence outlined above, the variant was classified as uncertain significance.

NM_001009944.3(PKD1):c.10952G>C (p.Gly3651Ala)

Genes: PKD1 (polycystin 1, transient receptor potential channel interacting; minus strand), PKD1-AS1 (PKD1 antisense RNA 1; plus strand). Cytogenetic location: 16p13.3.
Variant type: single nucleotide variant.
Coding change: c.10952G>C on transcript NM_001009944.3 (MANE Select); coding-DNA position 10952, G replaced by C.
Protein change: p.Gly3651Ala; replaces glycine 3651 with alanine.
Molecular consequence: missense variant.
Genome position (GRCh38, 1-based): chr16:2,093,608, C>G on the plus strand (G>C on the coding strand, the complement: PKD1 is on the minus strand). VCF-style: chr16-2093608-C-G. GRCh37 (hg19) VCF-style: chr16-2143609-C-G.
Other names: c.10949G>C, p.Gly3650Ala (NM_000296.4); short protein forms G3650A, G3651A.
Identifiers: ClinVar variation 4525693 (VCV004525693.1).